The following is an entry in ClinVar:

ClinVar aggregate classification (germline): Uncertain significance (1 of 4 stars; one submission).

Conditions:
Pick disease. Also called: DEMENTIA WITH LOBAR ATROPHY AND NEURONAL CYTOPLASMIC INCLUSIONS; LOBAR ATROPHY OF BRAIN; Pick's disease; PICK DISEASE OF BRAIN; Pick Disease of the Brain. Identifiers: Orphanet 282, MedGen C0236642, MONDO:0008243, OMIM 172700.
Frontotemporal dementia (FTD1). Also called: MULTIPLE SYSTEM TAUOPATHY WITH PRESENILE DEMENTIA; Dementia, frontotemporal, with or without parkinsonism; WILHELMSEN-LYNCH DISEASE; FRONTOTEMPORAL DEMENTIA WITH PARKINSONISM; FRONTOTEMPORAL LOBE DEMENTIA; Frontotemporal Dementia with Parkinsonism-17 (FTDP-17). Identifiers: Orphanet 282, MedGen C0338451, MONDO:0017276, OMIM 600274, HP:0002145.
Acne inversa, familial, 3 (ACNINV3). Identifiers: MedGen C3151038, MONDO:0013398, OMIM 613737.
Alzheimer disease 3 (AD3). Also called: ALZHEIMER DISEASE, FAMILIAL, 3. Identifiers: Orphanet 1020, MedGen C1843013, MONDO:0011913, OMIM 607822.

Submission:

Labcorp Genetics (formerly Invitae), Labcorp
Classification: Uncertain significance for Alzheimer disease 3; Pick disease; Acne inversa, familial, 3; Frontotemporal dementia. Last evaluated: 2024-11-18. Review status: criteria provided, single submitter. Criteria: Invitae Variant Classification Sherloc (09022015). Collection method: clinical testing. Allele origin: germline.
Comment: This sequence change replaces threonine, which is neutral and polar, with asparagine, which is neutral and polar, at codon 440 of the PSEN1 protein (p.Thr440Asn). This variant is not present in population databases (gnomAD no frequency). This variant has not been reported in the literature in individuals affected with PSEN1-related conditions. ClinVar contains an entry for this variant (Variation ID: 853657). Invitae Evidence Modeling of protein sequence and biophysical properties (such as structural, functional, and spatial information, amino acid conservation, physicochemical variation, residue mobility, and thermodynamic stability) indicates that this missense variant is expected to disrupt PSEN1 protein function with a positive predictive value of 95%. In summary, the available evidence is currently insufficient to determine the role of this variant in disease. Therefore, it has been classified as a Variant of Uncertain Significance.

NM_000021.4(PSEN1):c.1319C>A (p.Thr440Asn)

Gene: PSEN1 (presenilin 1; plus strand). Cytogenetic location: 14q24.2.
Variant type: single nucleotide variant.
Coding change: c.1319C>A on transcript NM_000021.4 (MANE Select); coding-DNA position 1319, C replaced by A.
Protein change: p.Thr440Asn; replaces threonine 440 with asparagine.
Molecular consequence: missense variant.
Genome position (GRCh38, 1-based): chr14:73,219,204, C>A. VCF-style: chr14-73219204-C-A. GRCh37 (hg19) VCF-style: chr14-73685912-C-A.
Other names: c.1307C>A, p.Thr436Asn (NM_007318.3); short protein forms T440N, T436N.
Identifiers: ClinVar variation 853657 (VCV000853657.10), dbSNP rs1900050658, ClinGen allele CA390306095.
Genomic context (GRCh38, chr14:73,219,204, plus strand): 5'-TTACATTATTACTCCTTGCCATTTTCAAGAAAGCATTGCCAGCTCTTCCAATCTCCATCA[C>A]CTTTGGGCTTGTTTTCTACTTTGCCACAGATTATCTTGTACAGCCTTTTATGGACCAATT-3'
Protein context (NP_000012.1, residues 430-450): KALPALPISI[Thr440Asn]FGLVFYFATD